The following is an entry in ClinVar:

NM_000525.4(KCNJ11):c.*215C>T

Gene: KCNJ11 (potassium inwardly rectifying channel subfamily J member 11; minus strand). Cytogenetic location: 11p15.1.
Variant type: single nucleotide variant.
Coding change: c.*215C>T on transcript NM_000525.4 (MANE Select); 215 bases downstream of the stop codon, C replaced by T.
Molecular consequence: 3 prime UTR variant.
Genome position (GRCh38, 1-based): chr11:17,386,704, G>A on the plus strand (C>T on the coding strand, the complement: KCNJ11 is on the minus strand). VCF-style: chr11-17386704-G-A. GRCh37 (hg19) VCF-style: chr11-17408251-G-A.
Other names: c.*215C>T (NM_001166290.2, NM_001377296.1, NM_001377297.1).
Identifiers: ClinVar variation 303727 (VCV000303727.15), dbSNP rs5210, ClinGen allele CA10634188.

ClinVar aggregate classification (germline): Benign/Likely benign. Review status: criteria provided, multiple submitters, no conflicts (2 of 4 stars). 6 submissions from 4 submitters: Benign (2); Likely benign (4). Last evaluated 2025-06-03.

Conditions:
Type 2 diabetes mellitus. Also called: Type II diabetes mellitus. Identifiers: MedGen C0011860, MeSH D003924, MONDO:0005148, OMIM 125853, HP:0005978.
Diabetes mellitus, transient neonatal, 3 (TNDM3). Identifiers: Orphanet 99886, MedGen C1864623, MONDO:0012522, OMIM 610582. Disease mechanism: loss of function.
Hyperinsulinemic hypoglycemia, familial, 2. Also called: HYPERINSULINEMIC HYPOGLYCEMIA, PERSISTENT; HYPERINSULINISM, NEONATAL. Identifiers: Orphanet 276580, Orphanet 276603, MedGen C2931833, MONDO:0011153, OMIM 601820. Disease mechanism: loss of function.
Maturity-onset diabetes of the young type 13. Also called: MODY, TYPE 13. Identifiers: Orphanet 552, MedGen C4225365, MONDO:0014589, OMIM 616329.

Allele frequency attached by ClinVar (database versions not stated): TOPMed 0.43576; gnomAD 0.44390; 1000 Genomes Project 30x 0.46346; 1000 Genomes Project 0.46765.

Submissions (6):

Labcorp Genetics (formerly Invitae), Labcorp
Classification: Benign. Last evaluated: 2025-06-03. Review status: criteria provided, single submitter. Criteria: Invitae Variant Classification Sherloc (09022015). Collection method: clinical testing. Allele origin: germline.

Illumina Laboratory Services, Illumina
Classification: Likely benign for Diabetes mellitus, transient neonatal, 3. Last evaluated: 2017-04-27. Review status: criteria provided, single submitter. Criteria: ICSL Variant Classification Criteria 13 December 2019. Collection method: clinical testing. Allele origin: germline.
Comment: This variant was observed as part of a predisposition screen in an ostensibly healthy population. A literature search was performed for the gene, cDNA change, and amino acid change (where applicable). No publications were found based on this search. Allele frequency data from public databases allowed determination this variant is unlikely to cause disease. Therefore, this variant is classified as likely benign.

Illumina Laboratory Services, Illumina
Classification: Likely benign for Maturity-onset diabetes of the young type 13. Last evaluated: 2017-04-27. Review status: criteria provided, single submitter. Criteria: ICSL Variant Classification Criteria 13 December 2019. Collection method: clinical testing. Allele origin: germline.
Comment: the same text as in the submission from Illumina Laboratory Services, Illumina above.

Illumina Laboratory Services, Illumina
Classification: Likely benign for Hyperinsulinemic hypoglycemia, familial, 2. Last evaluated: 2017-04-27. Review status: criteria provided, single submitter. Criteria: ICSL Variant Classification Criteria 13 December 2019. Collection method: clinical testing. Allele origin: germline.
Comment: the same text as in the submission from Illumina Laboratory Services, Illumina above.

Breakthrough Genomics
Classification: Likely benign. Review status: criteria provided, single submitter. Criteria: ACMG Guidelines, 2015. Collection method: not provided. Allele origin: germline. Inheritance: Autosomal recessive inheritance. Affected: yes.

Clinical Genomics, Uppaluri K&H Personalized Medicine Clinic
Classification: Benign for Type 2 diabetes mellitus. Review status: criteria provided, single submitter. Criteria: K&H Uppaluri Personalized Medicine Clinic Variant Classification & Assertion Criteria. Collection method: research. Allele origin: somatic. Inheritance: Autosomal dominant inheritance. Affected: yes.
Comment: Mutations in KCNJ11 gene can cause decreased production and secretion of insulin. This can lead to MODY which is responsive to oral sulfonylureas. rs5210 variant of KCNJ11 is associated with increased T2D risk.

Literature cited by the submitters: DOI 10.1016/j.sjbs.2022.01.008 (cited by Clinical Genomics, Uppaluri K&H Personalized Medicine Clinic).